The following is an entry in ClinVar:

NM_000059.4(BRCA2):c.4266G>C (p.Glu1422Asp)

Gene: BRCA2 (BRCA2 DNA repair associated; plus strand). Cytogenetic location: 13q13.1.
Variant type: single nucleotide variant.
Coding change: c.4266G>C on transcript NM_000059.4 (MANE Select); coding-DNA position 4266, G replaced by C.
Protein change: p.Glu1422Asp; replaces glutamic acid 1422 with aspartic acid.
Molecular consequence: missense variant.
Genome position (GRCh38, 1-based): chr13:32,338,621, G>C. VCF-style: chr13-32338621-G-C. GRCh37 (hg19) VCF-style: chr13-32912758-G-C.
Other names: short protein forms E1422D.
Identifiers: ClinVar variation 925203 (VCV000925203.11), dbSNP rs2072500238, ClinGen allele CA387780526.

ClinVar aggregate classification (germline): Conflicting classifications of pathogenicity. Review status: criteria provided, conflicting classifications (1 of 4 stars). 5 submissions from 5 submitters: Uncertain significance (3); Likely benign (2). Last evaluated 2025-04-08.

Conditions:
BRCA2-related cancer predisposition. Identifiers: MedGen CN377758, MONDO:0700269.
Hereditary cancer-predisposing syndrome. Also called: Neoplastic Syndromes, Hereditary; Tumor predisposition; Hereditary Cancer Syndrome; Hereditary neoplastic syndrome. Identifiers: Orphanet 140162, MedGen C0027672, MeSH D009386, MONDO:0015356.
Hereditary breast ovarian cancer syndrome. Also called: Hereditary breast and ovarian cancer syndrome; BRCA1- and BRCA2-Associated Hereditary Breast and Ovarian Cancer; Hereditary breast and ovarian cancer; Hereditary breast and ovarian cancer syndrome (HBOC); Breast and ovarian cancer; Hereditary breast and/or ovarian cancer syndrome. Identifiers: Orphanet 145, MedGen C0677776, MeSH D061325, MONDO:0003582. Disease mechanism: loss of function.

Submissions (5):

Labcorp Genetics (formerly Invitae), Labcorp
Classification: Uncertain significance for Hereditary breast ovarian cancer syndrome. Last evaluated: 2025-04-08. Review status: criteria provided, single submitter. Criteria: Invitae Variant Classification Sherloc (09022015). Collection method: clinical testing. Allele origin: germline.
Comment: This sequence change replaces glutamic acid, which is acidic and polar, with aspartic acid, which is acidic and polar, at codon 1422 of the BRCA2 protein (p.Glu1422Asp). This variant is not present in population databases (gnomAD no frequency). This variant has not been reported in the literature in individuals affected with BRCA2-related conditions. ClinVar contains an entry for this variant (Variation ID: 925203). Invitae Evidence Modeling of protein sequence and biophysical properties (such as structural, functional, and spatial information, amino acid conservation, physicochemical variation, residue mobility, and thermodynamic stability) indicates that this missense variant is not expected to disrupt BRCA2 protein function with a negative predictive value of 95%. In summary, the available evidence is currently insufficient to determine the role of this variant in disease. Therefore, it has been classified as a Variant of Uncertain Significance.

All of Us Research Program, National Institutes of Health
Classification: Uncertain significance for BRCA2-related cancer predisposition. Last evaluated: 2024-03-05. Review status: criteria provided, single submitter. Criteria: ACMG Guidelines, 2015. Collection method: clinical testing. Allele origin: germline. Inheritance: Autosomal dominant inheritance. Observed: 1 variant allele, 1 heterozygote.
Comment: This study involves interpretation of variants in research participants for the purpose of population health screening. Participant phenotype was not available at the time of variant classification. Additional details can be found in publication PMID: 35346344, PMCID: PMC8962531

Color Diagnostics, LLC DBA Color Health
Classification: Uncertain significance for Hereditary cancer-predisposing syndrome. Last evaluated: 2023-12-04. Review status: criteria provided, single submitter. Criteria: ACMG Guidelines, 2015. Collection method: clinical testing. Allele origin: germline.
Comment: This missense variant replaces glutamic acid with aspartic acid at codon 1422 of the BRCA2 protein. Computational prediction suggests that this variant may not impact protein structure and function (internally defined REVEL score threshold <= 0.5, PMID: 27666373). To our knowledge, functional studies have not been reported for this variant. This variant has not been reported in individuals affected with BRCA2-related disorders in the literature. This variant has not been identified in the general population by the Genome Aggregation Database (gnomAD). The available evidence is insufficient to determine the role of this variant in disease conclusively. Therefore, this variant is classified as a Variant of Uncertain Significance.

University of Washington Department of Laboratory Medicine, University of Washington
Classification: Likely benign for Hereditary cancer-predisposing syndrome. Last evaluated: 2023-03-23. Review status: criteria provided, single submitter. Criteria: Dines et al. (Genet Med. 2020). Collection method: curation. Allele origin: germline.
Comment: Missense variant in a coldspot region where missense variants are very unlikely to be pathogenic (PMID:31911673).

BRCA2 exon 11 coldspot. Reclassification based on statistical prior probability.

Ambry Genetics
Classification: Likely benign for Hereditary cancer-predisposing syndrome. Last evaluated: 2022-01-31. Review status: criteria provided, single submitter. Criteria: Ambry Variant Classification Scheme 2023. Collection method: clinical testing. Allele origin: germline.